The following is an entry in ClinVar:

ClinVar aggregate classification (germline): Uncertain significance (1 of 4 stars; one submission).

gnomAD v4.1: 3 of 1,597,130 alleles (0.00019%); highest among the groups gnomAD compares: Admixed American, 0.0018%; no homozygotes.

Submission:

Labcorp Genetics (formerly Invitae), Labcorp
Classification: Uncertain significance. Last evaluated: 2025-06-07. Review status: criteria provided, single submitter. Criteria: Invitae Variant Classification Sherloc (09022015). Collection method: clinical testing. Allele origin: germline.
Comment: This sequence change replaces alanine, which is neutral and non-polar, with valine, which is neutral and non-polar, at codon 8 of the DHCR24 protein (p.Ala8Val). The frequency data for this variant in the population databases is considered unreliable, as metrics indicate poor data quality at this position in the gnomAD database. This variant has not been reported in the literature in individuals affected with DHCR24-related conditions. An algorithm developed to predict the effect of missense changes on protein structure and function (PolyPhen-2) suggests that this variant is likely to be tolerated. In summary, the available evidence is currently insufficient to determine the role of this variant in disease. Therefore, it has been classified as a Variant of Uncertain Significance.

NM_014762.4(DHCR24):c.23C>T (p.Ala8Val)

Gene: DHCR24 (24-dehydrocholesterol reductase; minus strand). Cytogenetic location: 1p32.3.
Variant type: single nucleotide variant.
Coding change: c.23C>T on transcript NM_014762.4 (MANE Select); coding-DNA position 23, C replaced by T.
Protein change: p.Ala8Val; replaces alanine 8 with valine.
Molecular consequence: missense variant.
Genome position (GRCh38, 1-based): chr1:54,887,097, G>A on the plus strand (C>T on the coding strand, the complement: DHCR24 is on the minus strand). VCF-style: chr1-54887097-G-A. GRCh37 (hg19) VCF-style: chr1-55352770-G-A.
Other names: short protein forms A8V.
Identifiers: ClinVar variation 4807814 (VCV004807814.1).